The following is an entry in ClinVar:

ClinVar aggregate classification (germline): Likely pathogenic (1 of 4 stars; one submission).

Conditions:
Primary ciliary dyskinesia. Also called: Ciliary dyskinesia. Identifiers: Orphanet 244, MedGen C0008780, MONDO:0016575, HP:0012265.

Submission:

Labcorp Genetics (formerly Invitae), Labcorp
Classification: Likely pathogenic for Primary ciliary dyskinesia. Last evaluated: 2022-07-29. Review status: criteria provided, single submitter. Criteria: Invitae Variant Classification Sherloc (09022015). Collection method: clinical testing. Allele origin: germline.
Comment: In summary, the currently available evidence indicates that the variant is pathogenic, but additional data are needed to prove that conclusively. Therefore, this variant has been classified as Likely Pathogenic. This sequence change affects an acceptor splice site in intron 45 of the DNAH5 gene. It is expected to disrupt RNA splicing. Variants that disrupt the donor or acceptor splice site typically lead to a loss of protein function (PMID: 16199547), and loss-of-function variants in DNAH5 are known to be pathogenic (PMID: 11788826, 16627867). Algorithms developed to predict the effect of sequence changes on RNA splicing suggest that this variant may disrupt the consensus splice site. This variant has not been reported in the literature in individuals affected with DNAH5-related conditions. This variant is not present in population databases (gnomAD no frequency).

Literature cited by the submitters: PubMed 16199547; PubMed 11788826; PubMed 16627867.

NM_001369.3(DNAH5):c.7610-1G>A

Gene: DNAH5 (dynein axonemal heavy chain 5; minus strand). Cytogenetic location: 5p15.2.
Variant type: single nucleotide variant.
Coding change: c.7610-1G>A on transcript NM_001369.3 (MANE Select); the canonical splice acceptor site of the intron before coding-DNA position 7610, G replaced by A.
Molecular consequence: splice acceptor variant.
Genome position (GRCh38, 1-based): chr5:13,809,187, C>T on the plus strand (G>A on the coding strand, the complement: DNAH5 is on the minus strand). VCF-style: chr5-13809187-C-T. GRCh37 (hg19) VCF-style: chr5-13809296-C-T.
Identifiers: ClinVar variation 2020107 (VCV002020107.4), dbSNP rs2546801549, ClinGen allele CA359231099.